The following is an entry in ClinVar:

ClinVar aggregate classification (germline): Uncertain significance (1 of 4 stars; one submission).

Conditions:
Long QT syndrome (LQTS). Identifiers: MedGen C0023976, MeSH D008133, MONDO:0002442. Disease mechanism: loss of function. Inheritance: Various modes of inheritance.

Allele frequency attached by ClinVar (database versions not stated): ExAC 0.00001; gnomAD exomes 0.00001.
gnomAD v4.1: 8 of 1,599,604 alleles (0.0005%); highest among the groups gnomAD compares: South Asian, 0.0022%; no homozygotes.

Submission:

Labcorp Genetics (formerly Invitae), Labcorp
Classification: Uncertain significance for Long QT syndrome. Last evaluated: 2024-10-22. Review status: criteria provided, single submitter. Criteria: Invitae Variant Classification Sherloc (09022015). Collection method: clinical testing. Allele origin: germline.
Comment: This sequence change replaces arginine, which is basic and polar, with cysteine, which is neutral and slightly polar, at codon 225 of the KCNJ5 protein (p.Arg225Cys). This variant is present in population databases (rs555333719, gnomAD 0.0009%). This variant has not been reported in the literature in individuals affected with KCNJ5-related conditions. Invitae Evidence Modeling of protein sequence and biophysical properties (such as structural, functional, and spatial information, amino acid conservation, physicochemical variation, residue mobility, and thermodynamic stability) indicates that this missense variant is expected to disrupt KCNJ5 protein function with a positive predictive value of 80%. In summary, the available evidence is currently insufficient to determine the role of this variant in disease. Therefore, it has been classified as a Variant of Uncertain Significance.

NM_000890.5(KCNJ5):c.673C>T (p.Arg225Cys)

Gene: KCNJ5 (potassium inwardly rectifying channel subfamily J member 5; plus strand). Cytogenetic location: 11q24.3.
Variant type: single nucleotide variant.
Coding change: c.673C>T on transcript NM_000890.5 (MANE Select); coding-DNA position 673, C replaced by T.
Protein change: p.Arg225Cys; replaces arginine 225 with cysteine.
Molecular consequence: missense variant.
Genome position (GRCh38, 1-based): chr11:128,911,946, C>T. VCF-style: chr11-128911946-C-T. GRCh37 (hg19) VCF-style: chr11-128781841-C-T.
Other names: c.673C>T, p.Arg225Cys (NM_001354169.2); short protein forms R225C.
Identifiers: ClinVar variation 2891522 (VCV002891522.3), dbSNP rs555333719, ClinGen allele CA6357916.